The following is an entry in ClinVar:

NM_001206744.2(TPO):c.840G>A (p.Pro280=)

Gene: TPO (thyroid peroxidase; plus strand). Cytogenetic location: 2p25.3.
Variant type: single nucleotide variant.
Coding change: c.840G>A on transcript NM_001206744.2 (MANE Select); coding-DNA position 840, G replaced by A.
Protein change: p.Pro280=; no amino-acid change (proline 280 retained).
Molecular consequence: synonymous variant. On other transcripts: intron variant (1).
Genome position (GRCh38, 1-based): chr2:1,477,106, G>A. VCF-style: chr2-1477106-G-A. GRCh37 (hg19) VCF-style: chr2-1480878-G-A.
Other names: c.840G>A, p.Pro280= (NM_000547.6, NM_001206745.2, NM_175719.4 and 1 more transcripts); c.820-7490G>A (NM_175722.3).
Identifiers: ClinVar variation 331313 (VCV000331313.47), dbSNP rs187974063, ClinGen allele CA1511603.

ClinVar aggregate classification (germline): Conflicting classifications of pathogenicity. Review status: criteria provided, conflicting classifications (1 of 4 stars). 4 submissions from 4 submitters: Uncertain significance (1); Benign (1); Likely benign (2). Last evaluated 2026-01-28.

Conditions:
Deficiency of iodide peroxidase (TDH2A). Also called: THYROID HORMONOGENESIS, GENETIC DEFECT IN, 2A; THYROID PEROXIDASE DEFICIENCY; HYPOTHYROIDISM, CONGENITAL, DUE TO DYSHORMONOGENESIS, 2A; IODIDE PEROXIDASE DEFICIENCY; Thyroid dyshormonogenesis 2A. Identifiers: Orphanet 95716, MedGen C1291299, MONDO:0010133, OMIM 274500.

Allele frequency attached by ClinVar (database versions not stated): 1000 Genomes Project 0.00040; 1000 Genomes Project 30x 0.00078; ESP Exome Variant Server 0.00096; TOPMed 0.00123; gnomAD 0.00135 and 0.00136; gnomAD exomes 0.00135 and 0.00155; ExAC 0.00146.
gnomAD v4.1: 2,443 of 1,605,934 alleles (0.15%); highest among the groups gnomAD compares: Non-Finnish European, 0.18%; 5 homozygotes.

Submissions (4):

Labcorp Genetics (formerly Invitae), Labcorp
Classification: Benign. Last evaluated: 2026-01-28. Review status: criteria provided, single submitter. Criteria: Invitae Variant Classification Sherloc (09022015). Collection method: clinical testing. Allele origin: germline.

CeGaT Center for Human Genetics Tuebingen
Classification: Likely benign. Last evaluated: 2025-08-01. Review status: criteria provided, single submitter. Criteria: CeGaT Center For Human Genetics Tuebingen Variant Classification Criteria Version 2. Collection method: clinical testing. Allele origin: germline. Affected: yes. Observed: 7 variant alleles.
Comment: TPO: BP4, BP7

Blueprint Genetics
Classification: Likely benign. Last evaluated: 2024-11-26. Review status: criteria provided, single submitter. Criteria: ACMG Guidelines, 2015. Collection method: clinical testing. Allele origin: germline.

Illumina Laboratory Services, Illumina
Classification: Uncertain significance for Deficiency of iodide peroxidase. Last evaluated: 2018-01-12. Review status: criteria provided, single submitter. Criteria: ICSL Variant Classification Criteria 13 December 2019. Collection method: clinical testing. Allele origin: germline.